The following is an entry in ClinVar:

ClinVar aggregate classification (germline): Likely benign (1 of 4 stars; one submission).

Allele frequency attached by ClinVar (database versions not stated): ExAC 0.00001.
gnomAD v4.1: 13 of 1,614,206 alleles (0.00081%); highest among the groups gnomAD compares: Middle Eastern, 0.016%; no homozygotes.

Submission:

CeGaT Center for Human Genetics Tuebingen
Classification: Likely benign. Last evaluated: 2022-12-01. Review status: criteria provided, single submitter. Criteria: CeGaT Center For Human Genetics Tuebingen Variant Classification Criteria Version 2. Collection method: clinical testing. Allele origin: germline. Affected: yes. Observed: 1 variant allele.
Comment: MDN1: BP4, BP7

NM_014611.3(MDN1):c.13032T>C (p.Leu4344=)

Genes: MDN1 (midasin AAA ATPase 1; minus strand), MDN1-AS1 (MDN1 antisense RNA 1; plus strand). Cytogenetic location: 6q15.
Variant type: single nucleotide variant.
Coding change: c.13032T>C on transcript NM_014611.3 (MANE Select); coding-DNA position 13032, T replaced by C.
Protein change: p.Leu4344=; no amino-acid change (leucine 4344 retained).
Molecular consequence: synonymous variant.
Genome position (GRCh38, 1-based): chr6:89,674,319, A>G on the plus strand (T>C on the coding strand, the complement: MDN1 is on the minus strand). VCF-style: chr6-89674319-A-G. GRCh37 (hg19) VCF-style: chr6-90384038-A-G.
Identifiers: ClinVar variation 2656764 (VCV002656764.24), dbSNP rs767668592, ClinGen allele CA3922893.